The following is an entry in ClinVar:

ClinVar aggregate classification (germline): Uncertain significance (1 of 4 stars; one submission).

Submission:

GeneDx
Classification: Uncertain significance. Last evaluated: 2024-01-18. Review status: criteria provided, single submitter. Criteria: GeneDx Variant Classification Process June 2021. Collection method: clinical testing. Allele origin: germline. Affected: yes.
Comment: Has not been previously published as pathogenic or benign to our knowledge; Not observed at significant frequency in large population cohorts (gnomAD); In silico analysis supports that this missense variant does not alter protein structure/function

NM_000203.5(IDUA):c.29T>C (p.Leu10Pro)

Genes: IDUA (alpha-L-iduronidase; plus strand), SLC26A1 (solute carrier family 26 member 1; minus strand). Cytogenetic location: 4p16.3.
Variant type: single nucleotide variant.
Coding change: c.29T>C on transcript NM_000203.5 (MANE Select); coding-DNA position 29, T replaced by C.
Protein change: p.Leu10Pro; replaces leucine 10 with proline.
Molecular consequence: missense variant. On other transcripts: non-coding transcript variant (1), intron variant (1).
Genome position (GRCh38, 1-based): chr4:987,113, T>C. VCF-style: chr4-987113-T-C. GRCh37 (hg19) VCF-style: chr4-980901-T-C.
Other names: c.576+4015A>G (NM_134425.4); short protein forms L10P.
Identifiers: ClinVar variation 3367972 (VCV003367972.1).
Genomic context (GRCh38, chr4:987,113, plus strand): 5'-CGAAGCCCCGCAGTCCCCGAGCACGCGTGGCCATGCGTCCCCTGCGCCCCCGCGCCGCGC[T>C]GCTGGCGCTCCTGGCCTCGCTCCTGGCCGCGCCCCCGGTGGCCCCGGCCGAGGCCCCGCA-3'
Protein context (NP_000194.2, residues 1-20): MRPLRPRAA[Leu10Pro]LALLASLLAA